The following is an entry in ClinVar:

ClinVar aggregate classification (germline): Uncertain significance. Review status: criteria provided, multiple submitters, no conflicts (2 of 4 stars). 2 submissions from 2 submitters: Uncertain significance (2). Last evaluated 2024-08-26.

gnomAD v4.1: 48 of 1,613,986 alleles (0.003%); highest among the groups gnomAD compares: South Asian, 0.025%; no homozygotes.

Submissions (2):

GeneDx
Classification: Uncertain significance. Last evaluated: 2024-08-26. Review status: criteria provided, single submitter. Criteria: GeneDx Variant Classification Process June 2021. Collection method: clinical testing. Allele origin: germline. Affected: yes.
Comment: Has not been previously published as pathogenic or benign to our knowledge; In silico analysis does not support a benign or deleterious effect of this variant on protein structure/ function

Labcorp Genetics (formerly Invitae), Labcorp
Classification: Uncertain significance. Last evaluated: 2024-08-23. Review status: criteria provided, single submitter. Criteria: Invitae Variant Classification Sherloc (09022015). Collection method: clinical testing. Allele origin: germline.
Comment: This sequence change replaces alanine, which is neutral and non-polar, with valine, which is neutral and non-polar, at codon 882 of the IARS2 protein (p.Ala882Val). This variant is present in population databases (rs367582125, gnomAD 0.03%). This variant has not been reported in the literature in individuals affected with IARS2-related conditions. An algorithm developed to predict the effect of missense changes on protein structure and function (PolyPhen-2) suggests that this variant is likely to be tolerated. In summary, the available evidence is currently insufficient to determine the role of this variant in disease. Therefore, it has been classified as a Variant of Uncertain Significance.

NM_018060.4(IARS2):c.2645C>T (p.Ala882Val)

Gene: IARS2 (isoleucyl-tRNA synthetase 2, mitochondrial; plus strand). Cytogenetic location: 1q41.
Variant type: single nucleotide variant.
Coding change: c.2645C>T on transcript NM_018060.4 (MANE Select); coding-DNA position 2645, C replaced by T.
Protein change: p.Ala882Val; replaces alanine 882 with valine.
Molecular consequence: missense variant.
Genome position (GRCh38, 1-based): chr1:220,143,028, C>T. VCF-style: chr1-220143028-C-T. GRCh37 (hg19) VCF-style: chr1-220316370-C-T.
Other names: c.2645C>T (NM_018060.3); short protein forms A882V.
Identifiers: ClinVar variation 3718979 (VCV003718979.3).